The following is an entry in ClinVar:

NM_003000.3(SDHB):c.234G>C (p.Lys78Asn)

Gene: SDHB (succinate dehydrogenase complex iron sulfur subunit B; minus strand). Cytogenetic location: 1p36.13.
Variant type: single nucleotide variant.
Coding change: c.234G>C on transcript NM_003000.3 (MANE Select); coding-DNA position 234, G replaced by C.
Protein change: p.Lys78Asn; replaces lysine 78 with asparagine.
Molecular consequence: missense variant.
Genome position (GRCh38, 1-based): chr1:17,033,112, C>G on the plus strand (G>C on the coding strand, the complement: SDHB is on the minus strand). VCF-style: chr1-17033112-C-G. GRCh37 (hg19) VCF-style: chr1-17359607-C-G.
Other names: c.234G>C, p.Lys78Asn (NM_001407361.1); short protein forms K78N.
Identifiers: ClinVar variation 2926399 (VCV002926399.3), dbSNP rs776971836, ClinGen allele CA338276576.

ClinVar aggregate classification (germline): Uncertain significance (1 of 4 stars; one submission).

Conditions:
Pheochromocytoma. Also called: MAX-Related Hereditary Paraganglioma-Pheochromocytoma Syndrome. Identifiers: Orphanet 29072, MedGen C0031511, MONDO:0008233, OMIM 171300, HP:0002666.
Gastrointestinal stromal tumor. Also called: Gastrointestinal stromal tumor, somatic; Gastrointestinal stroma tumor. Identifiers: Orphanet 44890, MedGen C0238198, MeSH D046152, MONDO:0011719, OMIM 606764, HP:0100723.
Pheochromocytoma/paraganglioma syndrome 4. Also called: CAROTID BODY TUMORS AND MULTIPLE EXTRAADRENAL PHEOCHROMOCYTOMAS; PARAGANGLIOMA, FAMILIAL MALIGNANT; PARAGANGLIOMAS, HEREDITARY EXTRAADRENAL; PHEOCHROMOCYTOMA, FAMILIAL EXTRAADRENAL; Paragangliomas 4; SDHB-Related Hereditary Paraganglioma-Pheochromocytoma Syndrome (Paragangliomas 4). Identifiers: Orphanet 29072, MedGen C1861848, MONDO:0007273, OMIM 115310.

gnomAD v4.1: 1 of 1,613,944 alleles (0.000062%); highest among the groups gnomAD compares: Non-Finnish European, 0.000085%; no homozygotes.

Submission:

Labcorp Genetics (formerly Invitae), Labcorp
Classification: Uncertain significance for Gastrointestinal stromal tumor; Pheochromocytoma/paraganglioma syndrome 4; Pheochromocytoma. Last evaluated: 2023-10-04. Review status: criteria provided, single submitter. Criteria: Invitae Variant Classification Sherloc (09022015). Collection method: clinical testing. Allele origin: germline.
Comment: This sequence change replaces lysine, which is basic and polar, with asparagine, which is neutral and polar, at codon 78 of the SDHB protein (p.Lys78Asn). This variant is not present in population databases (gnomAD no frequency). This variant has not been reported in the literature in individuals affected with SDHB-related conditions. Advanced modeling of protein sequence and biophysical properties (such as structural, functional, and spatial information, amino acid conservation, physicochemical variation, residue mobility, and thermodynamic stability) performed at Invitae indicates that this missense variant is not expected to disrupt SDHB protein function. In summary, the available evidence is currently insufficient to determine the role of this variant in disease. Therefore, it has been classified as a Variant of Uncertain Significance.